The following is an entry in ClinVar:

ClinVar aggregate classification (germline): Uncertain significance. Review status: reviewed by expert panel (3 of 4 stars). 3 submissions from 3 submitters: Uncertain significance (1). 2 of the submissions do not count toward it. Last evaluated 2025-02-28.

Conditions:
Monogenic diabetes. Identifiers: Orphanet 183625, MedGen C3888631, MONDO:0015967.
Maturity-onset diabetes of the young (MODY). Also called: Maturity onset diabetes mellitus in young. Identifiers: Orphanet 552, MedGen C0342276, MONDO:0018911, HP:0004904.

Allele frequency attached by ClinVar (database versions not stated): gnomAD exomes below 0.00001 and 0.00001; TOPMed below 0.00001; gnomAD 0.00001.

Submissions (3):

ClinGen Monogenic Diabetes Variant Curation Expert Panel
Classification: Uncertain significance for Monogenic diabetes. Last evaluated: 2025-02-28. Review status: reviewed by expert panel. Criteria: ClinGen Diabetes ACMG Specifications HNF4A V2.0.0. Collection method: curation. Allele origin: germline. Inheritance: Autosomal dominant inheritance.
Comment: The c.457G>A variant in the hepatocyte nuclear factor 4-alpha gene, HNF4A, causes an amino acid change of aspartic acid to asparagine at codon 153 (p.(Asp153Asn)) of NM_175914.5. This variant has a REVEL score of 0.528, which is between the ClinGen MDEP thresholds for BP4 and PP3, predicting neither a damaging nor benign impact on HNF4A function. This variant has an incomputable gnomAD v2.1.1 Grpmax filtering allele frequency due to 1 copy in the European non-Finnish subpopulation and 0 copies in any other subpopulation, thereby meeting the ClinGen MDEP threshold criteria for PM2_Supporting (ENF Grpmax FAF <= 0.000003 and <= 2 copies in ENF and <=1 copy in any other subpopulation) (PM2_Supporting). In summary, c.457G>A meets the criteria to be classified as a variant of uncertain significance for monogenic diabetes. ACMG/AMP criteria applied, as specified by the ClinGen MDEP (specification version 2.0.0, approved 10/11/2023): PM2_Supporting, PP4_Moderate.

Athena Diagnostics
Classification: Uncertain significance. Last evaluated: 2019-01-07. Review status: criteria provided, single submitter. Criteria: Athena Diagnostics Criteria. Collection method: clinical testing. Allele origin: germline. Not counted in ClinVar's aggregate classification.

Clinical Genomics, Uppaluri K&H Personalized Medicine Clinic
Classification: Uncertain risk allele for Maturity-onset diabetes of the young. Review status: criteria provided, single submitter. Criteria: K & H Uppaluri Personalized Medicine Clinic Variant Classification & Assertion Criteria_Updated V.1. Collection method: research. Allele origin: unknown. Inheritance: Autosomal dominant inheritance. Not counted in ClinVar's aggregate classification.
Comment: Potent mutations in HNF4A are associated with poor insulin secretion in response to hyperglycemia. Associated with MODY1. Patients initially respond well to sulfonylureas but eventually become insulin dependent. However, more evidence is required to ascertain the role of this particular variant rs1427687409 in MODY, yet.

Literature cited by the submitters: PubMed 18268044 (cited by Clinical Genomics, Uppaluri K&H Personalized Medicine Clinic); PubMed 17563455 (cited by Clinical Genomics, Uppaluri K&H Personalized Medicine Clinic); PubMed 32583173 (cited by Clinical Genomics, Uppaluri K&H Personalized Medicine Clinic); PubMed 35052457 (cited by Clinical Genomics, Uppaluri K&H Personalized Medicine Clinic); PubMed 35118593 (cited by Clinical Genomics, Uppaluri K&H Personalized Medicine Clinic); DOI 10.1159/000334532 (cited by Clinical Genomics, Uppaluri K&H Personalized Medicine Clinic).

NM_175914.5(HNF4A):c.457G>A (p.Asp153Asn)

Gene: HNF4A (hepatocyte nuclear factor 4 alpha; plus strand). Cytogenetic location: 20q13.12.
Variant type: single nucleotide variant.
Coding change: c.457G>A on transcript NM_175914.5 (MANE Select); coding-DNA position 457, G replaced by A.
Protein change: p.Asp153Asn; replaces aspartic acid 153 with asparagine.
Molecular consequence: missense variant.
Genome position (GRCh38, 1-based): chr20:44,414,537, G>A. VCF-style: chr20-44414537-G-A. GRCh37 (hg19) VCF-style: chr20-43043177-G-A.
Other names: NM_175914.5(HNF4A):c.457G>A; p.Asp153Asn; c.523G>A, p.Asp175Asn (NM_000457.6, NM_178849.3, NM_178850.3); c.457G>A, p.Asp153Asn (NM_001030003.3, NM_001030004.3); c.502G>A, p.Asp168Asn (NM_001258355.2); c.448G>A, p.Asp150Asn (NM_001287182.2, NM_001287183.2, NM_001287184.2); short protein forms D153N, D168N, D175N, D150N.
Identifiers: ClinVar variation 804916 (VCV000804916.3), dbSNP rs1427687409, ClinGen allele CA409105926.
Genomic context (GRCh38, chr20:44,414,537, plus strand): 5'-CCAGCATTTTCTTCCCTGTATCTCTCGAAGATCACCTCCCCCGTCTCCGGGATCAACGGC[G>A]ACATTCGGGCGAAGAAGATTGCCAGCATCGCAGATGTGTGTGAGTCCATGAAGGAGCAGC-3'
Protein context (NP_787110.2, residues 143-163): ITSPVSGING[Asp153Asn]IRAKKIASIA